The following is an entry in ClinVar:

ClinVar aggregate classification (germline): Likely benign. Review status: criteria provided, multiple submitters, no conflicts (2 of 4 stars). 3 submissions from 3 submitters: Likely benign (3). Last evaluated 2023-07-25.

Conditions:
Isolated microphthalmia 5. Also called: Posterior Microphthalmia with Retinitis Pigmentosa, Foveoschisis, and Optic Disc Drusen. Identifiers: Orphanet 251279, MedGen C1970236, MONDO:0012605, OMIM 611040.

Allele frequency attached by ClinVar (database versions not stated): gnomAD exomes 0.00001; TOPMed below 0.00001; gnomAD 0.00001.
gnomAD v4.1: 12 of 1,612,416 alleles (0.00074%); highest among the groups gnomAD compares: South Asian, 0.0011%; no homozygotes.

Submissions (3):

Labcorp Genetics (formerly Invitae), Labcorp
Classification: Likely benign for Isolated microphthalmia 5. Last evaluated: 2023-07-25. Review status: criteria provided, single submitter. Criteria: Invitae Variant Classification Sherloc (09022015). Collection method: clinical testing. Allele origin: germline.

CeGaT Center for Human Genetics Tuebingen
Classification: Likely benign. Last evaluated: 2023-01-01. Review status: criteria provided, single submitter. Criteria: CeGaT Center For Human Genetics Tuebingen Variant Classification Criteria Version 2. Collection method: clinical testing. Allele origin: germline. Affected: yes. Observed: 1 variant allele.
Comment: MFRP: BP4, BP7

Blueprint Genetics
Classification: Likely benign. Last evaluated: 2022-11-23. Review status: criteria provided, single submitter. Criteria: ACMG Guidelines, 2015. Collection method: clinical testing. Allele origin: germline.

NM_031433.4(MFRP):c.1731C>G (p.Ala577=)

Genes: C1QTNF5 (C1q and TNF related 5; minus strand), MFRP (membrane frizzled-related protein; minus strand). Cytogenetic location: 11q23.3.
Variant type: single nucleotide variant.
Coding change: c.1731C>G on transcript NM_031433.4 (MANE Select); coding-DNA position 1731, C replaced by G.
Protein change: p.Ala577=; no amino-acid change (alanine 577 retained).
Molecular consequence: synonymous variant. On other transcripts: 5 prime UTR variant (1).
Genome position (GRCh38, 1-based): chr11:119,341,557, G>C on the plus strand (C>G on the coding strand, the complement: MFRP is on the minus strand). VCF-style: chr11-119341557-G-C. GRCh37 (hg19) VCF-style: chr11-119212267-G-C.
Other names: c.-906C>G (NM_015645.5).
Identifiers: ClinVar variation 2642464 (VCV002642464.26), dbSNP rs1204414000, ClinGen allele CA477155272.